The following is an entry in ClinVar:

ClinVar aggregate classification (germline): Uncertain significance. Review status: criteria provided, multiple submitters, no conflicts (2 of 4 stars). 2 submissions from 2 submitters: Uncertain significance (2). Last evaluated 2026-07-28.

Conditions:
Dilated cardiomyopathy 1O (CMD1O). Also called: CARDIOMYOPATHY, DILATED, WITH VENTRICULAR TACHYCARDIA. Identifiers: Orphanet 154, MedGen C1837839, MONDO:0012062, OMIM 608569.
Cardiovascular phenotype. Identifiers: MedGen CN230736.

Allele frequency attached by ClinVar (database versions not stated): gnomAD exomes below 0.00001; TOPMed below 0.00001.
gnomAD v4.1: 1 of 1,576,574 alleles (0.000063%); highest among the groups gnomAD compares: Non-Finnish European, 0.000087%; no homozygotes.

Submissions (2):

Ambry Genetics
Classification: Uncertain significance for Cardiovascular phenotype. Last evaluated: 2026-07-28. Review status: criteria provided, single submitter. Criteria: Ambry Variant Classification Scheme 2023. Collection method: clinical testing. Allele origin: germline.
Comment: The c.4103-3C>T intronic variant results from a C to T substitution 3 nucleotides upstream from coding exon 34 in the ABCC9 gene. This nucleotide position is well conserved in available vertebrate species. In silico splice site analysis predicts that this alteration may weaken the native splice acceptor site. Based on the available evidence, the clinical significance of this variant remains unclear.

Labcorp Genetics (formerly Invitae), Labcorp
Classification: Uncertain significance for Dilated cardiomyopathy 1O. Last evaluated: 2021-12-11. Review status: criteria provided, single submitter. Criteria: Invitae Variant Classification Sherloc (09022015). Collection method: clinical testing. Allele origin: germline.
Comment: ClinVar contains an entry for this variant (Variation ID: 645509). This sequence change falls in intron 33 of the ABCC9 gene. It does not directly change the encoded amino acid sequence of the ABCC9 protein. It affects a nucleotide within the consensus splice site. This variant is not present in population databases (gnomAD no frequency). This variant has not been reported in the literature in individuals affected with ABCC9-related conditions. Variants that disrupt the consensus splice site are a relatively common cause of aberrant splicing (PMID: 17576681, 9536098). Algorithms developed to predict the effect of sequence changes on RNA splicing suggest that this variant is not likely to affect RNA splicing. In summary, the available evidence is currently insufficient to determine the role of this variant in disease. Therefore, it has been classified as a Variant of Uncertain Significance.

Literature cited by the submitters: PubMed 17576681 (cited by Labcorp Genetics (formerly Invitae), Labcorp); PubMed 9536098 (cited by Labcorp Genetics (formerly Invitae), Labcorp).

NM_020297.4(ABCC9):c.4103-3C>T

Genes: ABCC9 (ATP binding cassette subfamily C member 9; minus strand), KCNJ8-AS1 (KCNJ8 antisense RNA 1; plus strand). Cytogenetic location: 12p12.1.
Variant type: single nucleotide variant.
Coding change: c.4103-3C>T on transcript NM_020297.4 (MANE Select); 3 bases into the intron before coding-DNA position 4103, C replaced by T.
Molecular consequence: intron variant.
Genome position (GRCh38, 1-based): chr12:21,812,160, G>A on the plus strand (C>T on the coding strand, the complement: ABCC9 is on the minus strand). VCF-style: chr12-21812160-G-A. GRCh37 (hg19) VCF-style: chr12-21965094-G-A.
Other names: c.3236-3C>T (NM_001377274.1); c.4103-3C>T (NM_005691.4, NM_001377273.1, NM_005691.2).
Identifiers: ClinVar variation 645509 (VCV000645509.7), dbSNP rs930399137, ClinGen allele CA233612451.